The following is an entry in ClinVar:

NM_022437.3(ABCG8):c.446C>T (p.Ala149Val)

Gene: ABCG8 (ATP binding cassette subfamily G member 8; plus strand). Cytogenetic location: 2p21.
Variant type: single nucleotide variant.
Coding change: c.446C>T on transcript NM_022437.3 (MANE Select); coding-DNA position 446, C replaced by T.
Protein change: p.Ala149Val; replaces alanine 149 with valine.
Molecular consequence: missense variant.
Genome position (GRCh38, 1-based): chr2:43,851,707, C>T. VCF-style: chr2-43851707-C-T. GRCh37 (hg19) VCF-style: chr2-44078846-C-T.
Other names: c.446C>T, p.Ala149Val (NM_001357321.2); short protein forms A149V.
Identifiers: ClinVar variation 3227789 (VCV003227789.1), dbSNP rs748508780, ClinGen allele CA1637018.

ClinVar aggregate classification (germline): Uncertain significance (1 of 4 stars; one submission).

Conditions:
Cardiovascular phenotype. Identifiers: MedGen CN230736.

Allele frequency attached by ClinVar (database versions not stated): ExAC 0.00001; gnomAD 0.00001; gnomAD exomes 0.00001; TOPMed 0.00001.
gnomAD v4.1: 13 of 1,614,096 alleles (0.00081%); highest among the groups gnomAD compares: South Asian, 0.0011%; no homozygotes.

Submission:

Ambry Genetics
Classification: Uncertain significance for Cardiovascular phenotype. Last evaluated: 2023-09-24. Review status: criteria provided, single submitter. Criteria: Ambry Variant Classification Scheme 2023. Collection method: clinical testing. Allele origin: germline.
Comment: The p.A149V variant (also known as c.446C>T), located in coding exon 4 of the ABCG8 gene, results from a C to T substitution at nucleotide position 446. The alanine at codon 149 is replaced by valine, an amino acid with similar properties. This amino acid position is conserved. In addition, the in silico prediction for this alteration is inconclusive. Since supporting evidence is limited at this time, the clinical significance of this alteration remains unclear.